The following is an entry in ClinVar:

ClinVar aggregate classification (germline): Uncertain significance. Review status: criteria provided, multiple submitters, no conflicts (2 of 4 stars). 2 submissions from 2 submitters: Uncertain significance (2). Last evaluated 2022-11-10.

Conditions:
Inborn genetic diseases. Identifiers: MedGen C0950123, MeSH D030342.

Allele frequency attached by ClinVar (database versions not stated): TOPMed 0.00002; gnomAD 0.00003; gnomAD exomes 0.00004; ExAC 0.00007.
gnomAD v4.1: 60 of 1,612,632 alleles (0.0037%); highest among the groups gnomAD compares: African/African-American, 0.0067%; no homozygotes.

Submissions (2):

Ambry Genetics
Classification: Uncertain significance for Inborn genetic diseases. Last evaluated: 2022-11-10. Review status: criteria provided, single submitter. Criteria: Ambry Variant Classification Scheme 2023. Collection method: clinical testing. Allele origin: germline.

Labcorp Genetics (formerly Invitae), Labcorp
Classification: Uncertain significance. Last evaluated: 2022-05-13. Review status: criteria provided, single submitter. Criteria: Invitae Variant Classification Sherloc (09022015). Collection method: clinical testing. Allele origin: germline.
Comment: This sequence change replaces alanine, which is neutral and non-polar, with valine, which is neutral and non-polar, at codon 1731 of the TUBGCP6 protein (p.Ala1731Val). This variant is present in population databases (rs201711537, gnomAD 0.008%). This variant has not been reported in the literature in individuals affected with TUBGCP6-related conditions. Algorithms developed to predict the effect of missense changes on protein structure and function are either unavailable or do not agree on the potential impact of this missense change (SIFT: "Tolerated"; PolyPhen-2: "Probably Damaging"; Align-GVGD: "Class C0"). In summary, the available evidence is currently insufficient to determine the role of this variant in disease. Therefore, it has been classified as a Variant of Uncertain Significance.

NM_020461.4(TUBGCP6):c.5192C>T (p.Ala1731Val)

Gene: TUBGCP6 (tubulin gamma complex component 6; minus strand). Cytogenetic location: 22q13.33.
Variant type: single nucleotide variant.
Coding change: c.5192C>T on transcript NM_020461.4 (MANE Select); coding-DNA position 5192, C replaced by T.
Protein change: p.Ala1731Val; replaces alanine 1731 with valine.
Molecular consequence: missense variant.
Genome position (GRCh38, 1-based): chr22:50,218,094, G>A on the plus strand (C>T on the coding strand, the complement: TUBGCP6 is on the minus strand). VCF-style: chr22-50218094-G-A. GRCh37 (hg19) VCF-style: chr22-50656523-G-A.
Other names: short protein forms A1731V.
Identifiers: ClinVar variation 1918361 (VCV001918361.3), dbSNP rs201711537, ClinGen allele CA10307126.
Genomic context (GRCh38, chr22:50,218,094, plus strand): 5'-AGCTGGCTGCGGAACTTGAGCACGAGGCTGAAGATGCTGTGGATGACGTTCATGACGGGC[G>A]CCGCCTTCTCCGTGAGCAGGCCCCTGGGGGGAAGCAGTGCTGCTGGGTGGGCTGAGCCGT-3'
Protein context (NP_065194.3, residues 1721-1741): VFRGLLTEKA[Ala1731Val]PVMNVIHSIF